The following is an entry in ClinVar:

NM_032830.3(UTP4):c.1708C>G (p.Gln570Glu)

Gene: UTP4 (UTP4 small subunit processome component). Cytogenetic location: 16q22.1.
Variant type: single nucleotide variant.
Coding change: c.1708C>G on transcript NM_032830.3 (MANE Select); coding-DNA position 1708, C replaced by G.
Protein change: p.Gln570Glu; replaces glutamine 570 with glutamic acid.
Molecular consequence: missense variant.
Genome position (GRCh38, 1-based): chr16:69,165,401, C>G. VCF-style: chr16-69165401-C-G. GRCh37 (hg19) VCF-style: chr16-69199304-C-G.
Other names: c.1459C>G, p.Gln487Glu (NM_001318391.2); c.1708C>G (NM_032830.2); short protein forms Q487E, Q570E.
Identifiers: ClinVar variation 4741519 (VCV004741519.2).

ClinVar aggregate classification (germline): Uncertain significance. Review status: criteria provided, multiple submitters, no conflicts (2 of 4 stars). 2 submissions from 2 submitters: Uncertain significance (2). Last evaluated 2026-05-13.

Conditions:
UTP4-related disorder. Also called: UTP4-related condition.

gnomAD v4.1: 35 of 1,613,978 alleles (0.0022%); highest among the groups gnomAD compares: Admixed American, 0.027%; no homozygotes.

Submissions (2):

PreventionGenetics, part of Exact Sciences
Classification: Uncertain significance for UTP4-related condition. Last evaluated: 2026-05-13. Review status: criteria provided, single submitter. Criteria: ACMG Guidelines, 2015. Collection method: clinical testing. Allele origin: germline.
Comment: The UTP4 c.1708C>G variant is predicted to result in the amino acid substitution p.Gln570Glu. To our knowledge, this variant has not been reported in the literature. This variant is reported in 0.043% of alleles in individuals of Latino descent in gnomAD. At this time, the clinical significance of this variant is uncertain due to the absence of conclusive functional and genetic evidence.

Labcorp Genetics (formerly Invitae), Labcorp
Classification: Uncertain significance. Last evaluated: 2026-01-08. Review status: criteria provided, single submitter. Criteria: Invitae Variant Classification Sherloc (09022015). Collection method: clinical testing. Allele origin: germline.
Comment: This sequence change replaces glutamine, which is neutral and polar, with glutamic acid, which is acidic and polar, at codon 570 of the UTP4 protein (p.Gln570Glu). This variant is present in population databases (rs768727952, gnomAD 0.04%). This variant has not been reported in the literature in individuals affected with UTP4-related conditions. An algorithm developed to predict the effect of missense changes on protein structure and function (PolyPhen-2) suggests that this variant is likely to be tolerated. In summary, the available evidence is currently insufficient to determine the role of this variant in disease. Therefore, it has been classified as a Variant of Uncertain Significance.